The following is an entry in ClinVar:

ClinVar aggregate classification (germline): Uncertain significance (1 of 4 stars; one submission).

Conditions:
Inborn genetic diseases. Identifiers: MedGen C0950123, MeSH D030342.

gnomAD v4.1: 1 of 1,613,382 alleles (0.000062%); highest among the groups gnomAD compares: South Asian, 0.0011%; no homozygotes.

Submission:

Ambry Genetics
Classification: Uncertain significance for Inborn genetic diseases. Last evaluated: 2025-05-15. Review status: criteria provided, single submitter. Criteria: Ambry Variant Classification Scheme 2023. Collection method: clinical testing. Allele origin: germline.
Comment: The p.L1075F variant (also known as c.3225G>T), located in coding exon 15 of the MECOM gene, results from a G to T substitution at nucleotide position 3225. The leucine at codon 1075 is replaced by phenylalanine, an amino acid with highly similar properties. This amino acid position is conserved. In addition, this alteration is predicted to be tolerated by in silico analysis. Based on the available evidence, the clinical significance of this variant remains unclear.

NM_004991.4(MECOM):c.3225G>T (p.Leu1075Phe)

Gene: MECOM (MDS1 and EVI1 complex locus; minus strand). Cytogenetic location: 3q26.2.
Variant type: single nucleotide variant.
Coding change: c.3225G>T on transcript NM_004991.4 (MANE Select); coding-DNA position 3225, G replaced by T.
Protein change: p.Leu1075Phe; replaces leucine 1075 with phenylalanine.
Molecular consequence: missense variant.
Genome position (GRCh38, 1-based): chr3:169,090,176, C>A on the plus strand (G>T on the coding strand, the complement: MECOM is on the minus strand). VCF-style: chr3-169090176-C-A. GRCh37 (hg19) VCF-style: chr3-168807964-C-A.
Other names: c.2856G>T, p.Leu952Phe (NM_001105077.4); c.2661G>T, p.Leu887Phe (NM_001105078.4, NM_001205194.2, NM_001366469.2 and 1 more transcripts); c.2637G>T, p.Leu879Phe (NM_001163999.2, NM_001366470.2); c.2634G>T, p.Leu878Phe (NM_001164000.2, NM_001366471.2, NM_001366472.2); c.3198G>T, p.Leu1066Phe (NM_001366466.2); c.2664G>T, p.Leu888Phe (NM_001366467.2, NM_001366468.2); c.2226G>T, p.Leu742Phe (NM_001366473.2); c.1662G>T, p.Leu554Phe (NM_001366474.2); short protein forms L742F, L887F, L878F, L879F, L952F, L1066F, L554F, L888F.
Identifiers: ClinVar variation 4053250 (VCV004053250.1).